The following is an entry in ClinVar:

NM_015634.4(KIFBP):c.1083dup (p.Ala362fs)

Gene: KIFBP (kinesin family binding protein; plus strand). Cytogenetic location: 10q22.1.
Variant type: Duplication.
Coding change: c.1083dup on transcript NM_015634.4 (MANE Select); coding-DNA position 1083, one base duplicated (A; older notation c.1083dupA).
Protein change: p.Ala362fs; shifts the reading frame from alanine 362.
Molecular consequence: frameshift variant.
Genome position (GRCh38, 1-based): chr10:69,015,633, A duplicated; the last of 6 consecutive A bases (chr10:69,015,628-69,015,633); duplicating any one gives the same sequence. VCF-style (leftmost placement, unchanged base first): chr10-69015627-G-GA. GRCh37 (hg19) VCF-style: chr10-70775383-G-GA.
Other names: NM_015634.4(KIFBP):c.1083dup; p.Ala362fs; short protein forms A362fs.
Identifiers: ClinVar variation 300283 (VCV000300283.13), dbSNP rs769950460, ClinGen allele CA5529849.

ClinVar aggregate classification (germline): Pathogenic/Likely pathogenic. Review status: criteria provided, multiple submitters, no conflicts (2 of 4 stars). 4 submissions from 4 submitters: Pathogenic (1); Likely pathogenic (3). Last evaluated 2025-05-22.

Conditions:
Goldberg-Shprintzen syndrome. Identifiers: Orphanet 66629, MedGen C1836123, MONDO:0012280, OMIM 609460.

Submissions (4):

Labcorp Genetics (formerly Invitae), Labcorp
Classification: Pathogenic. Last evaluated: 2025-05-22. Review status: criteria provided, single submitter. Criteria: Invitae Variant Classification Sherloc (09022015). Collection method: clinical testing. Allele origin: germline.
Comment: This sequence change creates a premature translational stop signal (p.Ala362Serfs*8) in the KIF1BP gene. While this is not anticipated to result in nonsense mediated decay, it is expected to disrupt the last 260 amino acid(s) of the KIF1BP protein. This variant is present in population databases (rs769950460, gnomAD 0.01%). This variant has not been reported in the literature in individuals affected with KIF1BP-related conditions. ClinVar contains an entry for this variant (Variation ID: 300283). This variant disrupts a region of the KIF1BP protein in which other variant(s) (p.Ile506Asnfs*3) have been determined to be pathogenic (PMID: 32939943). This suggests that this is a clinically significant region of the protein, and that variants that disrupt it are likely to be disease-causing. For these reasons, this variant has been classified as Pathogenic.

Ambry Genetics
Classification: Likely pathogenic. Last evaluated: 2025-02-25. Review status: criteria provided, single submitter. Criteria: Ambry Variant Classification Scheme 2023. Collection method: clinical testing. Allele origin: germline.
Comment: The c.1083dupA (p.A362Sfs*8) alteration, located in exon 7 (coding exon 7) of the KIF1BP gene, consists of a duplication of A at position 1083, causing a translational frameshift with a predicted alternate stop codon after 8 amino acids. This variant is not expected to trigger nonsense-mediated mRNA decay, and impacts the last 41.9% of the protein. However, premature stop codons are typically deleterious in nature and a significant portion of the protein is affected (Ambry internal data). Based on data from gnomAD, the AA allele has an overall frequency of 0.005% (13/282704) total alleles studied. The highest observed frequency was 0.012% (3/24962) of African alleles. Based on the available evidence, this alteration is classified as likely pathogenic.

GeneDx
Classification: Likely pathogenic. Last evaluated: 2024-12-12. Review status: criteria provided, single submitter. Criteria: GeneDx Variant Classification Process June 2021. Collection method: clinical testing. Allele origin: germline. Affected: yes.
Comment: Frameshift variant predicted to result in abnormal protein length as the last 260 amino acids are replaced with 7 different amino acids, and other similar variants have been reported in HGMD.; Not observed at significant frequency in large population cohorts (gnomAD); Has not been previously published as pathogenic or benign to our knowledge

Broad Center for Mendelian Genomics, Broad Institute of MIT and Harvard
Classification: Likely pathogenic for Goldberg-Shprintzen syndrome. Last evaluated: 2024-03-13. Review status: criteria provided, single submitter. Criteria: ACMG Guidelines, 2015. Collection method: curation. Allele origin: germline. Inheritance: Autosomal recessive inheritance.
Comment: The heterozygous p.Ala362SerfsTer8 variant in KIFBP was identified by our study, in the compound heterozygous state with a pathogenic variant (ClinVar ID: 183145), in two siblings with congenital fibrosis of the extraocular muscles, hearing impairment, developmental delays, cognitive impairment, scoliosis, Hirschsprung disease, and dysmorphic facial features, via a collaborative study between the Broad Institute's Center for Mendelian Genomics and the Engle lab. Familial genome analysis revealed that this variant was in trans with a pathogenic variant (ClinVar Variation ID: 183145). We believe this is a possible phenotype expansion for Goldenberg-Shprintzen megacolon syndrome. The p.Ala362SerfsTer8 variant in KIFBP has not been previously reported in individuals with Goldberg-Shprintzen megacolon syndrome but has been identified in 0.01% (3/24962) of African/African American chromosomes by the Genome Aggregation Database (gnomAD; dbSNP ID: rs769950460). Although this variant has been seen in the general population in a heterozygous state, its frequency is low enough to be consistent with a recessive carrier frequency. This variant has also been reported in ClinVar (Variation ID: 300283) and has conflicting interpretations of pathogenicity. This variant is predicted to cause a frameshift, which alters the protein’s amino acid sequence beginning at position 362 and leads to a premature termination codon 8 amino acids downstream. This termination codon occurs within the last exon and is more likely to escape nonsense mediated decay (NMD) and result in a truncated protein, but results in removal of >10% of the protein product. Loss of function of the KIFBP gene is an established disease mechanism in Goldberg-Shprintzen megacolon syndrome. In summary, although additional studies are required to fully establish its clinical significance, this variant is likely pathogenic for autosomal recessive Goldberg-Shprintzen megacolon syndrome. ACMG/AMP Criteria applied: PVS1_Strong, PM2_Supporting, PM3 (Richards 2015).

Literature cited by the submitters: PubMed 32939943 (cited by Labcorp Genetics (formerly Invitae), Labcorp); PubMed 39033378 (cited by Broad Center for Mendelian Genomics, Broad Institute of MIT and Harvard).